The following is an entry in ClinVar:

NM_018297.4(NGLY1):c.806A>T (p.Asp269Val)

Gene: NGLY1 (N-glycanase 1; minus strand). Cytogenetic location: 3p24.2.
Variant type: single nucleotide variant.
Coding change: c.806A>T on transcript NM_018297.4 (MANE Select); coding-DNA position 806, A replaced by T.
Protein change: p.Asp269Val; replaces aspartic acid 269 with valine.
Molecular consequence: missense variant.
Genome position (GRCh38, 1-based): chr3:25,739,652, T>A on the plus strand (A>T on the coding strand, the complement: NGLY1 is on the minus strand). VCF-style: chr3-25739652-T-A. GRCh37 (hg19) VCF-style: chr3-25781143-T-A.
Other names: c.806A>T, p.Asp269Val (NM_001145293.2, NM_001145295.2); c.680A>T, p.Asp227Val (NM_001145294.2); short protein forms D227V, D269V.
Identifiers: ClinVar variation 2893979 (VCV002893979.3), dbSNP rs2470552916, ClinGen allele CA351903361.
Genomic context (GRCh38, chr3:25,739,652, plus strand): 5'-CTGAACTGGCAGGCATCACAGTAATGATCTTCCACTTCCTTTGCACCCCACTTCAGCTCA[T>A]CATCACTGGGCAGTAATGATCTATCTCTAGACCTAGTCTGTCCACCACATTTGCTGCACA-3'
Protein context (NP_060767.2, residues 259-279): SRDRSLLPSD[Asp269Val]ELKWGAKEVE

ClinVar aggregate classification (germline): Uncertain significance (1 of 4 stars; one submission).

Conditions:
Congenital disorder of deglycosylation (CDDG). Identifiers: MedGen C3808991, MONDO:0031376.

Submission:

Labcorp Genetics (formerly Invitae), Labcorp
Classification: Uncertain significance for Congenital disorder of deglycosylation. Last evaluated: 2023-06-17. Review status: criteria provided, single submitter. Criteria: Invitae Variant Classification Sherloc (09022015). Collection method: clinical testing. Allele origin: germline.
Comment: In summary, the available evidence is currently insufficient to determine the role of this variant in disease. Therefore, it has been classified as a Variant of Uncertain Significance. Advanced modeling of protein sequence and biophysical properties (such as structural, functional, and spatial information, amino acid conservation, physicochemical variation, residue mobility, and thermodynamic stability) performed at Invitae indicates that this missense variant is not expected to disrupt NGLY1 protein function. This variant has not been reported in the literature in individuals affected with NGLY1-related conditions. This variant is not present in population databases (gnomAD no frequency). This sequence change replaces aspartic acid, which is acidic and polar, with valine, which is neutral and non-polar, at codon 269 of the NGLY1 protein (p.Asp269Val).